The following is an entry in ClinVar:

NM_005026.5(PIK3CD):c.1726G>A (p.Val576Ile)

Gene: PIK3CD (phosphatidylinositol-4,5-bisphosphate 3-kinase catalytic subunit delta; plus strand). Cytogenetic location: 1p36.22.
Variant type: single nucleotide variant.
Coding change: c.1726G>A on transcript NM_005026.5 (MANE Select); coding-DNA position 1726, G replaced by A.
Protein change: p.Val576Ile; replaces valine 576 with isoleucine.
Molecular consequence: missense variant.
Genome position (GRCh38, 1-based): chr1:9,721,163, G>A. VCF-style: chr1-9721163-G-A. GRCh37 (hg19) VCF-style: chr1-9781221-G-A.
Other names: NM_005026.5(PIK3CD):c.1726G>A; c.1723G>A, p.Val575Ile (NM_001350234.2); c.1639G>A, p.Val547Ile (NM_001350235.1); short protein forms V575I, V547I, V576I.
Identifiers: ClinVar variation 764550 (VCV000764550.15), dbSNP rs199549932, ClinGen allele CA577314.

ClinVar aggregate classification (germline): Likely benign. Review status: reviewed by expert panel (3 of 4 stars). 3 submissions from 3 submitters: Likely benign (1). 2 of the submissions do not count toward it. Last evaluated 2025-12-19.

Conditions:
Immunodeficiency 14 (IMD14A). Also called: p110-DELTA-ACTIVATING MUTATION CAUSING SENESCENT T CELLS, LYMPHADENOPATHY, AND IMMUNODEFICIENCY; Activated PI3K Delta Syndrome Type 1 (APDS1); ACTIVATED PI3K-DELTA SYNDROME 1; IMMUNODEFICIENCY 14A WITH LYMPHOPROLIFERATION, AUTOSOMAL DOMINANT. Identifiers: Orphanet 397596, Orphanet 693661, MedGen C5907821, MONDO:0014222, OMIM 615513.

Allele frequency attached by ClinVar (database versions not stated): gnomAD exomes 0.00014 and 0.00006; TOPMed 0.00008; ExAC 0.00013; ESP Exome Variant Server 0.00015; gnomAD 0.00009; 1000 Genomes Project 0.00040; 1000 Genomes Project 30x 0.00047.
gnomAD v4.1: 109 of 1,612,896 alleles (0.0068%); highest among the groups gnomAD compares: East Asian, 0.085%; no homozygotes.

Submissions (3):

ClinGen Primary Immune Regulatory Disorders Variant Curation Expert Panel, ClinGen
Classification: Likely benign for Immunodeficiency 14. Last evaluated: 2025-12-19. Review status: reviewed by expert panel. Criteria: ClinGen AbDef ACMG Specifications PIK3CD V1.0.0. Collection method: curation. Allele origin: germline. Inheritance: Autosomal dominant inheritance.
Comment: NM_005026.5(PIK3CD):c.1726G>A (p.Val576Ile) is a missense variant that encodes substitution of valine with isoleucine at amino acid 576. This variant is present in gnomAD v.4.1.0 at a GrpMax allele frequency of 0.0006339, with 38 alleles / 44,858 total alleles in the East Asian population, which is higher than the ClinGen Antibody Deficiencies VCEP BS1 threshold of 0.000316 (BS1). This variant has been reported in at least 1 proband with a phenotype that includes autoimmune lymphoproliferative syndrome (4 pts), recurrent fever, pancytopenia (1 pt), and borderline value for double negative TCRαβ+ T cells, with next-generation sequencing-based genotyping that did not identify an alternative basis for disease in the PIK3R1 gene, which together are not sufficiently specific for inclusion in the PS4_Supporting code (5 total points, PMID: 33225392). The proband also harbored the NM_005026.5(PIK3CD):c.1394C>T (p.Thr465Met) variant in trans (PMID: 33225392). The computational predictor REVEL gives a score of 0.092, which is below the ClinGen Antibody Deficiencies VCEP threshold of <0.290 and predicts a non-damaging effect on PIK3CD function. The computational predictor CADD gives a PHRED score of 23.6, which is above the ClinGen Antibody Deficiencies VCEP threshold of <22.7 and does not predict a non-deleterious effect on PIK3CD function. Since the two predictors do not agree on a non-damaging effect, BP4 is not met. In summary, this variant meets the criteria to be classified as likely benign for autosomal dominant immunodeficiency 14 based on the ACMG/AMP criteria applied, as specified by the ClinGen Antibody Deficiencies VCEP: BS1. (VCEP specifications version 1.0.0).

Labcorp Genetics (formerly Invitae), Labcorp
Classification: Likely benign for Activated PI3K-delta syndrome. Last evaluated: 2025-11-27. Review status: criteria provided, single submitter. Criteria: Invitae Variant Classification Sherloc (09022015). Collection method: clinical testing. Allele origin: germline. Not counted in ClinVar's aggregate classification.

Mayo Clinic Laboratories, Mayo Clinic
Classification: Uncertain significance. Last evaluated: 2020-01-09. Review status: criteria provided, single submitter. Criteria: ACMG Guidelines, 2015. Collection method: clinical testing. Allele origin: germline. Observed: 1 variant allele. Not counted in ClinVar's aggregate classification.